The following is an entry in ClinVar:

ClinVar aggregate classification (germline): Uncertain significance (1 of 4 stars; one submission).

Submission:

GeneDx
Classification: Uncertain significance. Last evaluated: 2026-02-24. Review status: criteria provided, single submitter. Criteria: GeneDx Variant Classification Process June 2021. Collection method: clinical testing. Allele origin: germline.
Comment: Frameshift variant predicted to result in protein truncation or nonsense mediated decay in a gene or region of a gene for which loss of function is not a well-established mechanism of disease; Not observed at significant frequency in large population cohorts (gnomAD); Has not been previously published as pathogenic or benign to our knowledge

NM_022841.7(RFX7):c.880_883del (p.Val294fs)

Gene: RFX7 (regulatory factor X7; minus strand). Cytogenetic location: 15q21.3.
Variant type: Deletion.
Coding change: c.880_883del on transcript NM_022841.7 (MANE Select); coding-DNA positions 880 to 883, 4 bases deleted (GTGA; older notation c.880_883delGTGA).
Protein change: p.Val294fs; shifts the reading frame from valine 294.
Molecular consequence: frameshift variant.
Genome position (GRCh38, 1-based): chr15:56,098,305-56,098,308, TCAC deleted on the plus strand (GTGA on the coding strand, the reverse complement: RFX7 is on the minus strand). VCF-style (leftmost placement, unchanged base first): chr15-56098304-TTCAC-T. GRCh37 (hg19) VCF-style: chr15-56390502-TTCAC-T.
Other names: c.589_592del, p.Val197fs (NM_001368073.2, NM_001368074.1, NM_001370554.1); c.880_883del, p.Val294fs (NM_001370561.1); short protein forms V197fs, V294fs.
Identifiers: ClinVar variation 4976277 (VCV004976277.1).